The following is an entry in ClinVar:

NM_052845.4(MMAB):c.349-8dup

Gene: MMAB (metabolism of cobalamin associated B; minus strand). Cytogenetic location: 12q24.11.
Variant type: Duplication.
Coding change: c.349-8dup on transcript NM_052845.4 (MANE Select); 8 bases into the intron before coding-DNA position 349, one base duplicated (C; older notation c.349-8dupC).
Molecular consequence: intron variant.
Genome position (GRCh38, 1-based): chr12:109,561,855, G duplicated on the plus strand (C on the coding strand, the reverse complement: MMAB is on the minus strand); the first of 6 consecutive G bases (chr12:109,561,855-109,561,860); duplicating any one gives the same sequence. VCF-style (leftmost placement, unchanged base first): chr12-109561854-T-TG. GRCh37 (hg19) VCF-style: chr12-109999659-T-TG.
Other names: c.349-3dupC (NM_052845.3).
Identifiers: ClinVar variation 466215 (VCV000466215.12), dbSNP rs759049347, ClinGen allele CA6778937.

ClinVar aggregate classification (germline): Benign. Review status: criteria provided, single submitter (1 of 4 stars). 2 submissions from 2 submitters: Benign (1). 1 of the submissions does not count toward it. Last evaluated 2024-02-07.

Conditions:
Methylmalonic aciduria, cblB type (MACB). Also called: METHYLMALONIC ACIDURIA, VITAMIN B12-RESPONSIVE, DUE TO DEFECT IN SYNTHESIS OF ADENOSYLCOBALAMIN, cblB TYPE; Vitamin B12-responsive methylmalonic acidemia type cblB; Methylmalonic acidemia cblB type. Identifiers: Orphanet 28, Orphanet 79311, MedGen C1855102, MONDO:0009614, OMIM 251110.
MMAB-related disorder. Also called: MMAB-related condition.

Submissions (2):

Labcorp Genetics (formerly Invitae), Labcorp
Classification: Benign for Methylmalonic aciduria, cblB type. Last evaluated: 2024-02-07. Review status: criteria provided, single submitter. Criteria: Invitae Variant Classification Sherloc (09022015). Collection method: clinical testing. Allele origin: germline.

PreventionGenetics, part of Exact Sciences
Classification: Likely benign for MMAB-related condition. Last evaluated: 2019-09-05. Review status: no assertion criteria provided. Collection method: clinical testing. Allele origin: germline. Not counted in ClinVar's aggregate classification.
Comment: This variant is classified as likely benign based on ACMG/AMP sequence variant interpretation guidelines (Richards et al. 2015 PMID: 25741868, with internal and published modifications).